The following is an entry in ClinVar:

NM_025114.4(CEP290):c.7056T>G (p.Asp2352Glu)

Gene: CEP290 (centrosomal protein 290; minus strand). Cytogenetic location: 12q21.32.
Variant type: single nucleotide variant.
Coding change: c.7056T>G on transcript NM_025114.4 (MANE Select); coding-DNA position 7056, T replaced by G.
Protein change: p.Asp2352Glu; replaces aspartic acid 2352 with glutamic acid.
Molecular consequence: missense variant.
Genome position (GRCh38, 1-based): chr12:88,053,725, A>C on the plus strand (T>G on the coding strand, the complement: CEP290 is on the minus strand). VCF-style: chr12-88053725-A-C. GRCh37 (hg19) VCF-style: chr12-88447502-A-C.
Other names: c.7056T>G (NM_025114.3); short protein forms D2352E.
Identifiers: ClinVar variation 2137091 (VCV002137091.5), dbSNP rs2033762743, ClinGen allele CA385975122.

ClinVar aggregate classification (germline): Uncertain significance. Review status: criteria provided, multiple submitters, no conflicts (2 of 4 stars). 2 submissions from 2 submitters: Uncertain significance (2). Last evaluated 2025-12-11.

Conditions:
CEP290-related disorder. Also called: CEP290-related disorders; CEP290-related condition. Identifiers: MedGen CN239314.
Joubert syndrome. Also called: JOUBERT-BOLTSHAUSER SYNDROME; Familial aplasia of the vermis. Identifiers: Orphanet 475, MedGen C5979921, MONDO:0018772.
Nephronophthisis. Also called: Juvenile Nephronophthisis. Identifiers: Orphanet 655, MedGen C0687120, MONDO:0019005, HP:0000090.
Meckel-Gruber syndrome. Also called: DYSENCEPHALIA SPLANCHNOCYSTICA; GRUBER SYNDROME; Dysencephalia splachnocystica. Identifiers: Orphanet 564, MedGen C0265215, MONDO:0018921.

Submissions (2):

PreventionGenetics, part of Exact Sciences
Classification: Uncertain significance for CEP290-related condition. Last evaluated: 2025-12-11. Review status: criteria provided, single submitter. Criteria: ACMG Guidelines, 2015. Collection method: clinical testing. Allele origin: germline.
Comment: The CEP290 c.7056T>G variant is predicted to result in the amino acid substitution p.Asp2352Glu. To our knowledge, this variant has not been reported in the literature or in a large population database (gnomAD), indicating this variant is rare. At this time, the clinical significance of this variant is uncertain due to the absence of conclusive functional and genetic evidence.

Labcorp Genetics (formerly Invitae), Labcorp
Classification: Uncertain significance for Joubert syndrome; Meckel-Gruber syndrome; Nephronophthisis. Last evaluated: 2024-10-21. Review status: criteria provided, single submitter. Criteria: Invitae Variant Classification Sherloc (09022015). Collection method: clinical testing. Allele origin: germline.
Comment: This sequence change replaces aspartic acid, which is acidic and polar, with glutamic acid, which is acidic and polar, at codon 2352 of the CEP290 protein (p.Asp2352Glu). This variant is not present in population databases (gnomAD no frequency). This variant has not been reported in the literature in individuals affected with CEP290-related conditions. ClinVar contains an entry for this variant (Variation ID: 2137091). An algorithm developed to predict the effect of missense changes on protein structure and function outputs the following: PolyPhen-2: "Benign". The glutamic acid amino acid residue is found in multiple mammalian species, which suggests that this missense change does not adversely affect protein function. In summary, the available evidence is currently insufficient to determine the role of this variant in disease. Therefore, it has been classified as a Variant of Uncertain Significance.